The following is an entry in ClinVar:

NM_000288.4(PEX7):c.-49G>C

Gene: PEX7 (peroxisomal biogenesis factor 7; plus strand). Cytogenetic location: 6q23.3.
Variant type: single nucleotide variant.
Coding change: c.-49G>C on transcript NM_000288.4 (MANE Select); 49 bases upstream of the start codon, G replaced by C.
Molecular consequence: 5 prime UTR variant.
Genome position (GRCh38, 1-based): chr6:136,822,617, G>C. VCF-style: chr6-136822617-G-C. GRCh37 (hg19) VCF-style: chr6-137143755-G-C.
Identifiers: ClinVar variation 4984581 (VCV004984581.1).

ClinVar aggregate classification (germline): Likely benign (1 of 4 stars; one submission).

Conditions:
PEX7-related disorder. Also called: PEX7-related condition; PEX7-related disorders. Identifiers: MedGen CN239409.

gnomAD v4.1: 4 of 1,507,766 alleles (0.00027%); highest among the groups gnomAD compares: South Asian, 0.0024%; no homozygotes.

Submission:

PreventionGenetics, part of Exact Sciences
Classification: Likely benign for PEX7-related condition. Last evaluated: 2025-07-07. Review status: criteria provided, single submitter. Criteria: ACMG Guidelines, 2015. Collection method: clinical testing. Allele origin: germline.
Comment: This variant is classified as likely benign based on ACMG/AMP sequence variant interpretation guidelines (Richards et al. 2015 PMID: 25741868, with internal and published modifications).